The following is an entry in ClinVar:

NM_033380.3(COL4A5):c.1028G>A (p.Gly343Glu)

Gene: COL4A5 (collagen type IV alpha 5 chain; plus strand). Cytogenetic location: Xq22.3.
Variant type: single nucleotide variant.
Coding change: c.1028G>A on transcript NM_033380.3 (MANE Select); coding-DNA position 1028, G replaced by A.
Protein change: p.Gly343Glu; replaces glycine 343 with glutamic acid.
Molecular consequence: missense variant.
Genome position (GRCh38, 1-based): chrX:108,584,521, G>A. VCF-style: chrX-108584521-G-A. GRCh37 (hg19) VCF-style: chrX-107827751-G-A.
Other names: c.1028G>A, p.Gly343Glu (NM_000495.5); short protein forms G343E.
Identifiers: ClinVar variation 3255166 (VCV003255166.2), dbSNP rs2524260150.

ClinVar aggregate classification (germline): Likely pathogenic (1 of 4 stars; one submission).

Conditions:
X-linked Alport syndrome (ATS1). Also called: COL4A5-Related Nephropathy; NEPHROPATHY AND DEAFNESS, X-LINKED. Identifiers: Orphanet 63, Orphanet 88917, MedGen C4746986, MONDO:0010520, OMIM 301050.

Submission:

Victorian Clinical Genetics Services, Murdoch Childrens Research Institute
Classification: Likely pathogenic for X-linked Alport syndrome. Last evaluated: 2024-09-19. Review status: criteria provided, single submitter. Criteria: ACMG Guidelines, 2015. Collection method: clinical testing. Allele origin: germline. Inheritance: X-linked dominant inheritance. Affected: yes.
Comment: Based on the classification scheme VCGS_Germline_v1.3.4, this variant is classified as Likely pathogenic. Following criteria are met: 0103 - Dominant negative and loss of function are known mechanisms of disease in this gene and are associated with X-linked Alport syndrome 1 (MIM#301050). Dominant negative is caused mostly by glycine substitutions that affect the conformation of the protein, and loss of function can be caused by either protein truncating or missense variants (PMID: 24046192, 12028435). (I) 0110 - This gene is associated with X-linked dominant disease. Males are typically more severely affected than females (PMID: 19965530). (I) 0115 - Variants in this gene are known to have variable expressivity. There is intrafamilial variability among affected carrier females, possibly due to variable X-inactivation (PMID: 14514738). (I) 0200 - Variant is predicted to result in a missense amino acid change from glycine to glutamic acid. (I) 0253 - This variant is hemizygous. (I) 0301 - Variant is absent from gnomAD (both v2 and v3). (SP) 0502 - Missense variant with conflicting in silico predictions and uninformative conservation. (I) 0601 - Variant is located in the well-established functional Gly-X-Y motif within the collagen repeat domain, and affects a glycine residue (DECIPHER). However, this residue is at a gap in the Gly-X-Y repeat sequence. (SP) 0705 - No comparable missense variants have previous evidence for pathogenicity. (I) 0807 - This variant has no previous evidence of pathogenicity. (I) 0905 - No published segregation evidence has been identified for this variant. (I) 1007 - No published functional evidence has been identified for this variant. (SP) Legend: (SP) - Supporting pathogenic, (I) - Information, (SB) - Supporting benign

Literature cited by the submitters: PubMed 12028435; PubMed 14514738; PubMed 19965530; PubMed 24046192.